The following is an entry in ClinVar:

NM_002485.5(NBN):c.940G>A (p.Val314Met)

Gene: NBN (nibrin; minus strand). Cytogenetic location: 8q21.3.
Variant type: single nucleotide variant.
Coding change: c.940G>A on transcript NM_002485.5 (MANE Select); coding-DNA position 940, G replaced by A.
Protein change: p.Val314Met; replaces valine 314 with methionine.
Molecular consequence: missense variant.
Genome position (GRCh38, 1-based): chr8:89,964,464, C>T on the plus strand (G>A on the coding strand, the complement: NBN is on the minus strand). VCF-style: chr8-89964464-C-T. GRCh37 (hg19) VCF-style: chr8-90976692-C-T.
Other names: c.694G>A, p.Val232Met (NM_001024688.3); short protein forms V314M, V232M.
Identifiers: ClinVar variation 141727 (VCV000141727.31), dbSNP rs529845940, ClinGen allele CA166244.

ClinVar aggregate classification (germline): Uncertain significance. Review status: criteria provided, multiple submitters, no conflicts (2 of 4 stars). 9 submissions from 9 submitters: Uncertain significance (8). 1 of the submissions does not count toward it. Last evaluated 2025-05-15.

Conditions:
Hereditary cancer-predisposing syndrome. Also called: Neoplastic Syndromes, Hereditary; Hereditary Cancer Syndrome; Hereditary neoplastic syndrome; Tumor predisposition. Identifiers: Orphanet 140162, MedGen C0027672, MeSH D009386, MONDO:0015356.
Aplastic anemia. Identifiers: Orphanet 182040, Orphanet 88, MedGen C0002874, MONDO:0015909, OMIM 609135, HP:0001915.
Microcephaly, normal intelligence and immunodeficiency (NBS). Also called: Immunodeficiency, microcephaly with normal intelligence; SEEMANOVA SYNDROME II; Nijmegen breakage syndrome; Microcephaly with normal intelligence immunodeficiency and lymphoreticular malignancies; Nonsyndromal microcephaly autosomal recessive with normal intelligence; Seemanova syndrome 2. Identifiers: Orphanet 647, MedGen C0398791, MONDO:0009623, OMIM 251260.

Allele frequency attached by ClinVar (database versions not stated): ExAC 0.00002; gnomAD 0.00002 and 0.00003; TOPMed 0.00002; gnomAD exomes 0.00004; 1000 Genomes Project 30x 0.00016; 1000 Genomes Project 0.00020.
gnomAD v4.1: 65 of 1,612,628 alleles (0.004%); highest among the groups gnomAD compares: Non-Finnish European, 0.005%; no homozygotes.

Submissions (9):

Quest Diagnostics Nichols Institute San Juan Capistrano
Classification: Uncertain significance. Last evaluated: 2025-05-15. Review status: criteria provided, single submitter. Criteria: Quest Diagnostics criteria. Collection method: clinical testing. Allele origin: unknown.
Comment: The NBN c.940G>A (p.Val314Met) variant has been reported in the published literature in individuals with breast cancer (PMID: 33471991 (2021), see also LOVD), myeloid malignancy (PMID: 31911633 (2020)), unspecified cancer (PMID: 36346689 (2023)), and in reportedly unaffected individuals (PMID: 33471991 (2021), see also LOVD). The frequency of this variant in the general population (Genome Aggregation Database) is uninformative in the assessment of its pathogenicity. Analysis of this variant using bioinformatics tools for the prediction of the effect of amino acid changes on protein structure and function yielded conflicting predictions that this variant is benign or damaging. Based on the available information, we are unable to determine the clinical significance of this variant.

Labcorp Genetics (formerly Invitae), Labcorp
Classification: Uncertain significance for Microcephaly, normal intelligence and immunodeficiency. Last evaluated: 2024-10-15. Review status: criteria provided, single submitter. Criteria: Invitae Variant Classification Sherloc (09022015). Collection method: clinical testing. Allele origin: germline.
Comment: This sequence change replaces valine, which is neutral and non-polar, with methionine, which is neutral and non-polar, at codon 314 of the NBN protein (p.Val314Met). This variant is present in population databases (rs529845940, gnomAD 0.006%). This variant has not been reported in the literature in individuals affected with NBN-related conditions. ClinVar contains an entry for this variant (Variation ID: 141727). An algorithm developed to predict the effect of missense changes on protein structure and function (PolyPhen-2) suggests that this variant is likely to be disruptive. In summary, the available evidence is currently insufficient to determine the role of this variant in disease. Therefore, it has been classified as a Variant of Uncertain Significance.

Ambry Genetics
Classification: Uncertain significance for Hereditary cancer-predisposing syndrome. Last evaluated: 2024-04-13. Review status: criteria provided, single submitter. Criteria: Ambry Variant Classification Scheme 2023. Collection method: clinical testing. Allele origin: germline.
Comment: The p.V314M variant (also known as c.940G>A), located in coding exon 8 of the NBN gene, results from a G to A substitution at nucleotide position 940. The valine at codon 314 is replaced by methionine, an amino acid with highly similar properties. This amino acid position is highly conserved in available vertebrate species. In addition, this alteration is predicted to be deleterious by in silico analysis. Since supporting evidence is limited at this time, the clinical significance of this alteration remains unclear.

Baylor Genetics
Classification: Uncertain significance for Aplastic anemia. Last evaluated: 2024-02-07. Review status: criteria provided, single submitter. Criteria: ACMG Guidelines, 2015. Collection method: clinical testing. Allele origin: unknown.

GeneDx
Classification: Uncertain significance. Last evaluated: 2022-12-08. Review status: criteria provided, single submitter. Criteria: GeneDx Variant Classification Process June 2021. Collection method: clinical testing. Allele origin: germline. Affected: yes.
Comment: In silico analysis supports that this missense variant does not alter protein structure/function; Has not been previously published as pathogenic or benign to our knowledge; This variant is associated with the following publications: (PMID: 24662767, 25186949, 24894818)

Genome-Nilou Lab
Classification: Uncertain significance for Microcephaly, normal intelligence and immunodeficiency. Last evaluated: 2021-11-07. Review status: criteria provided, single submitter. Criteria: ACMG Guidelines, 2015. Collection method: clinical testing. Allele origin: germline. Affected: no.

St. Jude Molecular Pathology, St. Jude Children's Research Hospital
Classification: Uncertain significance for Microcephaly, normal intelligence and immunodeficiency. Last evaluated: 2021-07-15. Review status: criteria provided, single submitter. Criteria: St. Jude Assertion Criteria 2020. Collection method: clinical testing. Allele origin: germline.
Comment: The NBN c.940G>A (p.Val314Met) missense change has a maximum subpopulation frequency of 0.0079% in gnomAD v2.1.1. Five of seven in silico tools predict a deleterious effect of this variant on protein function (PP3), but to our knowledge these predictions have not been confirmed by functional assays. To our knowledge, this variant has not been reported in individuals with Nijmegan breakage syndrome or breast cancer. In summary, this variant meets criteria to be classified as of uncertain significance based on the ACMG/AMP criteria: PP3.

Women's Health and Genetics/Laboratory Corporation of America, LabCorp
Classification: Uncertain significance. Last evaluated: 2018-02-16. Review status: criteria provided, single submitter. Criteria: LabCorp Variant Classification Summary - May 2015. Collection method: clinical testing. Allele origin: germline.
Comment: Variant summary: NBN c.940G>A (p.Val314Met) alters a conserved nucleotide that results in a conservative amino acid change located in the Nibrin second BRCT domain (IPR032429) of the encoded protein sequence. Three of five in-silico tools predict a damaging effect of the variant on protein function. However, these predictions have yet to be confirmed by functional studies. The variant allele was found at a frequency of 2.8e-05 in 245998 control chromosomes (gnomAD). This frequency is not significantly higher than expected for a pathogenic variant in NBN causing Nijmegen Breakage Syndrome (2.8e-05 vs 2.50E-03), allowing no conclusion about variant significance. To our knowledge, no occurrence of c.940G>A in individuals affected with Nijmegen Breakage Syndrome and no experimental evidence demonstrating its impact on protein function have been reported. Three clinical diagnostic laboratories have submitted clinical-significance assessments for this variant to ClinVar after 2014 without evidence for independent evaluation. All laboratories classified the variant as uncertain significance. Based on the evidence outlined above, the variant was classified as uncertain significance.

Natera, Inc.
Classification: Uncertain significance for Nijmegen breakage syndrome. Last evaluated: 2020-09-16. Review status: no assertion criteria provided. Collection method: clinical testing. Allele origin: germline. Not counted in ClinVar's aggregate classification.

Literature cited by the submitters: PubMed 36346689 (cited by Quest Diagnostics Nichols Institute San Juan Capistrano); PubMed 31911633 (cited by Quest Diagnostics Nichols Institute San Juan Capistrano); PubMed 33471991 (cited by Quest Diagnostics Nichols Institute San Juan Capistrano).